The following is an entry in ClinVar:

NM_000133.4(F9):c.1186T>A (p.Cys396Ser)

Gene: F9 (coagulation factor IX; plus strand). Cytogenetic location: Xq27.1.
Variant type: single nucleotide variant.
Coding change: c.1186T>A on transcript NM_000133.4 (MANE Select); coding-DNA position 1186, T replaced by A.
Protein change: p.Cys396Ser; replaces cysteine 396 with serine.
Molecular consequence: missense variant.
Genome position (GRCh38, 1-based): chrX:139,561,871, T>A. VCF-style: chrX-139561871-T-A. GRCh37 (hg19) VCF-style: chrX-138644030-T-A.
Other names: c.1072T>A, p.Cys358Ser (NM_001313913.2); short protein forms C358S, C396S.
Identifiers: ClinVar variation 810871 (VCV000810871.8), dbSNP rs1603267420, ClinGen allele CA414446364.

ClinVar aggregate classification (germline): Pathogenic (1 of 4 stars; one submission).

Submission:

ARUP Laboratories, Molecular Genetics and Genomics, ARUP Laboratories
Classification: Pathogenic. Last evaluated: 2019-03-18. Review status: criteria provided, single submitter. Criteria: ARUP Molecular Germline Variant Investigation Process. Collection method: clinical testing. Allele origin: germline.
Comment: The F9 c.1186T>A; p.Cys396Ser variant, to our knowledge, is not reported in the medical literature or gene-specific databases. However, another variant leading to the same amino acid substitution (c.1187G>C; p.Cys396Ser, also known as p.Cys350Ser) is reported in multiple individuals affected with hemophilia B of varying severity (Hamasaki-Katagiri 2012, Montejo 1999, Taylor 1991, Wulff 1995, Factor IX database). The c.1186T>A variant is absent from general population databases (Exome Variant Server, Genome Aggregation Database), indicating it is not a common polymorphism. The cysteine at codon 396 is highly conserved, and computational analyses (SIFT, PolyPhen-2) predict that this variant is deleterious. Additionally, other amino acid substitutions at this codon (Arg, Phe, Tyr, and Trp) have been reported in individuals with hemophilia B and are considered pathogenic (Factor IX database and references therein). Based on available information, the c.1186T>A; p.Cys396Ser variant is considered to be pathogenic. References: Factor IX database: Hamasaki-Katagiri N et al. Analysis of F9 point mutations and their correlation to severity of haemophilia B disease. Haemophilia. 2012 Nov;18(6):933-40. Montejo JM et al. Identification of twenty-one new mutations in the factor IX gene by SSCP analysis. Hum Mutat. 1999;13(2):160-5. Taylor SA et al. Somatic mosaicism and female-to-female transmission in a kindred with hemophilia B (factor IX deficiency). Proc Natl Acad Sci U S A. 1991 Jan 1;88(1):39-42. Wulff K et al. Twenty-five novel mutations of the factor IX gene in haemophilia B. Hum Mutat. 1995;6(4):346-8.